The following is an entry in ClinVar:

NM_005633.4(SOS1):c.544G>A (p.Asp182Asn)

Gene: SOS1 (SOS Ras/Rac guanine nucleotide exchange factor 1; minus strand). Cytogenetic location: 2p22.1.
Variant type: single nucleotide variant.
Coding change: c.544G>A on transcript NM_005633.4 (MANE Select); coding-DNA position 544, G replaced by A.
Protein change: p.Asp182Asn; replaces aspartic acid 182 with asparagine.
Molecular consequence: missense variant.
Genome position (GRCh38, 1-based): chr2:39,054,790, C>T on the plus strand (G>A on the coding strand, the complement: SOS1 is on the minus strand). VCF-style: chr2-39054790-C-T. GRCh37 (hg19) VCF-style: chr2-39281931-C-T.
Other names: c.523G>A, p.Asp175Asn (NM_001382394.1); c.544G>A, p.Asp182Asn (NM_001382395.1); short protein forms D182N, D175N.
Identifiers: ClinVar variation 451219 (VCV000451219.5), dbSNP rs1553362279, ClinGen allele CA346373289.

ClinVar aggregate classification (germline): Uncertain significance. Review status: criteria provided, multiple submitters, no conflicts (2 of 4 stars). 2 submissions from 2 submitters: Uncertain significance (2). Last evaluated 2026-01-12.

Conditions:
RASopathy. Also called: rasopathies; Noonan spectrum disorder. Identifiers: Orphanet 536391, MedGen C5555857, MONDO:0021060.

Submissions (2):

Labcorp Genetics (formerly Invitae), Labcorp
Classification: Uncertain significance for RASopathy. Last evaluated: 2026-01-12. Review status: criteria provided, single submitter. Criteria: Invitae Variant Classification Sherloc (09022015). Collection method: clinical testing. Allele origin: germline.
Comment: This sequence change replaces aspartic acid, which is acidic and polar, with asparagine, which is neutral and polar, at codon 182 of the SOS1 protein (p.Asp182Asn). This variant is not present in population databases (gnomAD no frequency). This variant has not been reported in the literature in individuals affected with SOS1-related conditions. ClinVar contains an entry for this variant (Variation ID: 451219). Invitae Evidence Modeling of protein sequence and biophysical properties (such as structural, functional, and spatial information, amino acid conservation, physicochemical variation, residue mobility, and thermodynamic stability) has been performed for this missense variant. However, the output from this modeling did not meet the statistical confidence thresholds required to predict the impact of this variant on SOS1 protein function. In summary, the available evidence is currently insufficient to determine the role of this variant in disease. Therefore, it has been classified as a Variant of Uncertain Significance.

GeneDx
Classification: Uncertain significance. Last evaluated: 2017-08-08. Review status: criteria provided, single submitter. Criteria: GeneDx Variant Classification (06012015). Collection method: clinical testing. Allele origin: germline. Affected: yes.
Comment: The D182N variant has not been published as a pathogenic variant, nor has it been reported as a benign variant to our knowledge. The variant is not observed in large population cohorts (Lek et al., 2016; 1000 Genomes Consortium et al., 2015; Exome Variant Server). D182N is a semi-conservative amino acid substitution, which may impact secondary protein structure as these residues differ in some properties. This substitution occurs at a position that is conserved in mammals; however, in silico analysis is inconsistent in its predictions as to whether or not the variant is damaging to the protein structure/function. In summary, based on the currently available information, it is unclear whether this variant is a pathogenic variant or a rare benign variant.